The following is an entry in ClinVar:

ClinVar aggregate classification (germline): Uncertain significance (1 of 4 stars; one submission).

Allele frequency attached by ClinVar (database versions not stated): ExAC 0.00001; gnomAD 0.00002; gnomAD exomes 0.00002; TOPMed 0.00002.
gnomAD v4.1: 34 of 1,613,582 alleles (0.0021%); highest among the groups gnomAD compares: African/African-American, 0.0093%; no homozygotes.

Submission:

Labcorp Genetics (formerly Invitae), Labcorp
Classification: Uncertain significance. Last evaluated: 2023-12-05. Review status: criteria provided, single submitter. Criteria: Invitae Variant Classification Sherloc (09022015). Collection method: clinical testing. Allele origin: germline.
Comment: This sequence change replaces arginine, which is basic and polar, with histidine, which is basic and polar, at codon 360 of the TBCD protein (p.Arg360His). This variant is present in population databases (rs756514766, gnomAD 0.007%). This variant has not been reported in the literature in individuals affected with TBCD-related conditions. Advanced modeling of protein sequence and biophysical properties (such as structural, functional, and spatial information, amino acid conservation, physicochemical variation, residue mobility, and thermodynamic stability) performed at Invitae indicates that this missense variant is not expected to disrupt TBCD protein function with a negative predictive value of 95%. In summary, the available evidence is currently insufficient to determine the role of this variant in disease. Therefore, it has been classified as a Variant of Uncertain Significance.

NM_005993.5(TBCD):c.1079G>A (p.Arg360His)

Gene: TBCD (tubulin folding cofactor D). Cytogenetic location: 17q25.3.
Variant type: single nucleotide variant.
Coding change: c.1079G>A on transcript NM_005993.5 (MANE Select); coding-DNA position 1079, G replaced by A.
Protein change: p.Arg360His; replaces arginine 360 with histidine.
Molecular consequence: missense variant.
Genome position (GRCh38, 1-based): chr17:82,806,003, G>A. VCF-style: chr17-82806003-G-A. GRCh37 (hg19) VCF-style: chr17-80763879-G-A.
Other names: c.1028G>A, p.Arg343His (NM_001411101.1); c.1079G>A, p.Arg360His (NM_001411102.1); short protein forms R343H, R360H.
Identifiers: ClinVar variation 2962014 (VCV002962014.2), dbSNP rs756514766, ClinGen allele CA8861871.